The following is an entry in ClinVar:

ClinVar aggregate classification (germline): Uncertain significance (1 of 4 stars; one submission).

Conditions:
PLEC-related disorder. Also called: PLEC-related condition; PLEC-related disorders.

gnomAD v4.1: 4 of 1,610,884 alleles (0.00025%); highest among the groups gnomAD compares: Non-Finnish European, 0.00025%; no homozygotes.

Submission:

PreventionGenetics, part of Exact Sciences
Classification: Uncertain significance for PLEC-related condition. Last evaluated: 2026-06-24. Review status: criteria provided, single submitter. Criteria: ACMG Guidelines, 2015. Collection method: clinical testing. Allele origin: germline.
Comment: The PLEC c.13516A>T variant is predicted to result in the amino acid substitution p.Ser4506Cys. To our knowledge, this variant has not been reported in the literature or in a large population database (gnomAD), indicating this variant is rare. At this time, the clinical significance of this variant is uncertain due to the absence of conclusive functional and genetic evidence.

NM_201384.3(PLEC):c.13435A>T (p.Ser4479Cys)

Gene: PLEC (plectin; minus strand). Cytogenetic location: 8q24.3.
Variant type: single nucleotide variant.
Coding change: c.13435A>T on transcript NM_201384.3 (MANE Select); coding-DNA position 13435, A replaced by T.
Protein change: p.Ser4479Cys; replaces serine 4479 with cysteine.
Molecular consequence: missense variant.
Genome position (GRCh38, 1-based): chr8:143,916,386, T>A on the plus strand (A>T on the coding strand, the complement: PLEC is on the minus strand). VCF-style: chr8-143916386-T-A. GRCh37 (hg19) VCF-style: chr8-144990554-T-A.
Other names: c.13516A>T, p.Ser4506Cys (NM_000445.5); c.10135A>T, p.Ser3379Cys (NM_001410941.1); c.13393A>T, p.Ser4465Cys (NM_201378.4); c.13369A>T, p.Ser4457Cys (NM_201379.3); c.13846A>T, p.Ser4616Cys (NM_201380.4); c.13339A>T, p.Ser4447Cys (NM_201381.3); c.13435A>T, p.Ser4479Cys (NM_201382.4); c.13447A>T, p.Ser4483Cys (NM_201383.3); short protein forms S4465C, S4479C, S4616C, S4506C, S4447C, S3379C, S4457C, S4483C.
Identifiers: ClinVar variation 4993425 (VCV004993425.1).